The following is an entry in ClinVar:

NM_015656.2(KIF26A):c.3797G>A (p.Gly1266Asp)

Gene: KIF26A (kinesin family member 26A; plus strand). Cytogenetic location: 14q32.33.
Variant type: single nucleotide variant.
Coding change: c.3797G>A on transcript NM_015656.2 (MANE Select); coding-DNA position 3797, G replaced by A.
Protein change: p.Gly1266Asp; replaces glycine 1266 with aspartic acid.
Molecular consequence: missense variant.
Genome position (GRCh38, 1-based): chr14:104,176,585, G>A. VCF-style: chr14-104176585-G-A. GRCh37 (hg19) VCF-style: chr14-104642922-G-A.
Other names: short protein forms G1266D.
Identifiers: ClinVar variation 2213331 (VCV002213331.3), dbSNP rs576339078, ClinGen allele CA7371103.
Genomic context (GRCh38, chr14:104,176,585, plus strand): 5'-GGGTAGGGGAGTGTGATACCCAGGCAGCTTCTGCTGGCAGGGCCCCCAGCCCCACACTTG[G>A]CTCCCCCCGGCTGCCTGAGGCCCAGGTGATGCTAGCCTGTGCCCAGAGAGTGGTGGACGG-3'
Protein context (NP_056471.1, residues 1256-1276): SAGRAPSPTL[Gly1266Asp]SPRLPEAQVM

ClinVar aggregate classification (germline): Uncertain significance. Review status: criteria provided, multiple submitters, no conflicts (2 of 4 stars). 2 submissions from 2 submitters: Uncertain significance (2). Last evaluated 2024-11-03.

Allele frequency attached by ClinVar (database versions not stated): ExAC 0.00001; gnomAD exomes 0.00002; TOPMed 0.00002; gnomAD 0.00003.
gnomAD v4.1: 36 of 1,608,066 alleles (0.0022%); highest among the groups gnomAD compares: Middle Eastern, 0.099%; 1 homozygote.

Submissions (2):

GeneDx
Classification: Uncertain significance. Last evaluated: 2024-11-03. Review status: criteria provided, single submitter. Criteria: GeneDx Variant Classification Process June 2021. Collection method: clinical testing. Allele origin: germline. Affected: yes.
Comment: In silico analysis indicates that this missense variant does not alter protein structure/function; Has not been previously published as pathogenic or benign to our knowledge

Ambry Genetics
Classification: Uncertain significance. Last evaluated: 2021-09-27. Review status: criteria provided, single submitter. Criteria: Ambry Variant Classification Scheme 2023. Collection method: clinical testing. Allele origin: germline.